The following is an entry in ClinVar:

NM_001048174.2(MUTYH):c.1214C>A (p.Ala405Asp)

Gene: MUTYH (mutY DNA glycosylase; minus strand). Cytogenetic location: 1p34.1.
Variant type: single nucleotide variant.
Coding change: c.1214C>A on transcript NM_001048174.2 (MANE Select); coding-DNA position 1214, C replaced by A.
Protein change: p.Ala405Asp; replaces alanine 405 with aspartic acid.
Molecular consequence: missense variant. On other transcripts: non-coding transcript variant (7).
Genome position (GRCh38, 1-based): chr1:45,331,445, G>T on the plus strand (C>A on the coding strand, the complement: MUTYH is on the minus strand). VCF-style: chr1-45331445-G-T. GRCh37 (hg19) VCF-style: chr1-45797117-G-T.
Other names: c.1217C>A, p.Ala406Asp (NM_001048172.2, NM_001407078.1, NM_001407086.1 and 1 more transcripts); c.1214C>A, p.Ala405Asp (NM_001048173.2, NM_001048171.2, NM_001407081.1 and 6 more transcripts); c.1298C>A, p.Ala433Asp (NM_001128425.2); c.1259C>A, p.Ala420Asp (NM_001293190.2); c.1247C>A, p.Ala416Asp (NM_001293191.2, NM_001407077.1, NM_001407069.1); c.938C>A, p.Ala313Asp (NM_001293192.2, NM_001293196.2, NM_001407091.1); c.1175C>A, p.Ala392Asp (NM_001407079.1); c.1172C>A, p.Ala391Asp (NM_001407080.1); and 5 more; short protein forms A290D, A433D, A377D, A406D, A416D, A419D, A313D, A391D.
Identifiers: ClinVar variation 4113159 (VCV004113159.1).
Genomic context (GRCh38, chr1:45,331,445, plus strand): 5'-AGCCAACATCCTTGGCTATTCCGCTGCTCACTTACCTCCCCAAGGTGCCGGAGGTGCGTG[G>T]CTGGGAGGGGCCCAGCCCAACGCTGTAGTTCCTGCAGCAGGGCCTTGCGCTGAAGCTGCT-3'
Protein context (NP_001041639.1, residues 395-415): ELQRWAGPLP[Ala405Asp]THLRHLGEVV

ClinVar aggregate classification (germline): Uncertain significance (1 of 4 stars; one submission).

Conditions:
Hereditary cancer-predisposing syndrome. Also called: Tumor predisposition; Neoplastic Syndromes, Hereditary; Hereditary neoplastic syndrome; Hereditary Cancer Syndrome. Identifiers: Orphanet 140162, MedGen C0027672, MeSH D009386, MONDO:0015356.

Submission:

Ambry Genetics
Classification: Uncertain significance for Hereditary cancer-predisposing syndrome. Last evaluated: 2025-08-27. Review status: criteria provided, single submitter. Criteria: Ambry Variant Classification Scheme 2023. Collection method: clinical testing. Allele origin: germline.
Comment: The p.A433D variant (also known as c.1298C>A), located in coding exon 13 of the MUTYH gene, results from a C to A substitution at nucleotide position 1298. The alanine at codon 433 is replaced by aspartic acid, an amino acid with dissimilar properties. This amino acid position is conserved. In addition, this alteration is predicted to be tolerated by in silico analysis. Based on the available evidence, the clinical significance of this variant remains unclear.